The following is an entry in ClinVar:

NM_133642.5(LARGE1):c.1966G>A (p.Asp656Asn)

Gene: LARGE1 (LARGE xylosyl- and glucuronyltransferase 1; minus strand). Cytogenetic location: 22q12.3.
Variant type: single nucleotide variant.
Coding change: c.1966G>A on transcript NM_133642.5 (MANE Select); coding-DNA position 1966, G replaced by A.
Protein change: p.Asp656Asn; replaces aspartic acid 656 with asparagine.
Molecular consequence: missense variant.
Genome position (GRCh38, 1-based): chr22:33,277,167, C>T on the plus strand (G>A on the coding strand, the complement: LARGE1 is on the minus strand). VCF-style: chr22-33277167-C-T. GRCh37 (hg19) VCF-style: chr22-33673153-C-T.
Other names: c.1966G>A, p.Asp656Asn (NM_001362949.2, NM_001362951.2, NM_001362953.2 and 4 more transcripts); c.1819G>A, p.Asp607Asn (NM_001378627.1, NM_001378628.1); c.1810G>A, p.Asp604Asn (NM_001378629.1); c.1363G>A, p.Asp455Asn (NM_001378630.1); c.1060G>A, p.Asp354Asn (NM_001378631.1); short protein forms D455N, D604N, D354N, D607N, D656N.
Identifiers: ClinVar variation 1929372 (VCV001929372.2), dbSNP rs747883942, ClinGen allele CA10202598.

ClinVar aggregate classification (germline): Uncertain significance (1 of 4 stars; one submission).

Conditions:
Muscular dystrophy-dystroglycanopathy type B6 (MDDGB6). Also called: MUSCULAR DYSTROPHY-DYSTROGLYCANOPATHY (CONGENITAL WITH IMPAIRED INTELLECTUAL DEVELOPMENT), TYPE B, 6; MUSCULAR DYSTROPHY, CONGENITAL, LARGE-RELATED; MUSCULAR DYSTROPHY, CONGENITAL, TYPE 1D. Identifiers: MedGen C1837229, MONDO:0012138, OMIM 608840.

Allele frequency attached by ClinVar (database versions not stated): ExAC 0.00002; gnomAD exomes 0.00002.
gnomAD v4.1: 23 of 1,614,254 alleles (0.0014%); highest among the groups gnomAD compares: Middle Eastern, 0.016%; no homozygotes.

Submission:

Labcorp Genetics (formerly Invitae), Labcorp
Classification: Uncertain significance for Muscular dystrophy-dystroglycanopathy type B6. Last evaluated: 2022-03-02. Review status: criteria provided, single submitter. Criteria: Invitae Variant Classification Sherloc (09022015). Collection method: clinical testing. Allele origin: germline.
Comment: This sequence change replaces aspartic acid, which is acidic and polar, with asparagine, which is neutral and polar, at codon 656 of the LARGE1 protein (p.Asp656Asn). This variant is present in population databases (rs747883942, gnomAD 0.02%). This variant has not been reported in the literature in individuals affected with LARGE1-related conditions. Algorithms developed to predict the effect of missense changes on protein structure and function are either unavailable or do not agree on the potential impact of this missense change (SIFT: "Tolerated"; PolyPhen-2: "Possibly Damaging"; Align-GVGD: "Class C0"). In summary, the available evidence is currently insufficient to determine the role of this variant in disease. Therefore, it has been classified as a Variant of Uncertain Significance.